The following is an entry in ClinVar:

ClinVar aggregate classification (germline): Uncertain significance (1 of 4 stars; one submission).

Conditions:
Imerslund-Grasbeck syndrome. Also called: ENTEROCYTE COBALAMIN MALABSORPTION; ENTEROCYTE INTRINSIC FACTOR RECEPTOR, DEFECT OF; PERNICIOUS ANEMIA, JUVENILE, DUE TO SELECTIVE INTESTINAL MALABSORPTION OF VITAMIN B12, WITH PROTEINURIA; Imerslund-Gräsbeck syndrome; Megaloblastic anemia due to inborn errors of metabolism. Identifiers: Orphanet 35858, MedGen C4551825, MONDO:0009853.

gnomAD v4.1: 4 of 1,599,510 alleles (0.00025%); highest among the groups gnomAD compares: Non-Finnish European, 0.00034%; no homozygotes.

Submission:

Labcorp Genetics (formerly Invitae), Labcorp
Classification: Uncertain significance for Imerslund-Grasbeck syndrome. Last evaluated: 2024-03-27. Review status: criteria provided, single submitter. Criteria: Invitae Variant Classification Sherloc (09022015). Collection method: clinical testing. Allele origin: germline.
Comment: This sequence change replaces glycine, which is neutral and non-polar, with aspartic acid, which is acidic and polar, at codon 2 of the AMN protein (p.Gly2Asp). This variant is not present in population databases (gnomAD no frequency). This variant has not been reported in the literature in individuals affected with AMN-related conditions. Algorithms developed to predict the effect of missense changes on protein structure and function output the following: SIFT: "Not Available"; PolyPhen-2: "Probably Damaging"; Align-GVGD: "Not Available". The aspartic acid amino acid residue is found in multiple mammalian species, which suggests that this missense change does not adversely affect protein function. In summary, the available evidence is currently insufficient to determine the role of this variant in disease. Therefore, it has been classified as a Variant of Uncertain Significance.

NM_030943.4(AMN):c.5G>A (p.Gly2Asp)

Gene: AMN (amnion associated transmembrane protein; plus strand). Cytogenetic location: 14q32.32.
Variant type: single nucleotide variant.
Coding change: c.5G>A on transcript NM_030943.4 (MANE Select); coding-DNA position 5, G replaced by A.
Protein change: p.Gly2Asp; replaces glycine 2 with aspartic acid.
Molecular consequence: missense variant. On other transcripts: 5 prime UTR variant (1).
Genome position (GRCh38, 1-based): chr14:102,922,693, G>A. VCF-style: chr14-102922693-G-A. GRCh37 (hg19) VCF-style: chr14-103389030-G-A.
Other names: c.-177G>A (NM_001425246.1); short protein forms G2D.
Identifiers: ClinVar variation 3698826 (VCV003698826.2).